The following is an entry in ClinVar:

ClinVar aggregate classification (germline): Conflicting classifications of pathogenicity. Review status: criteria provided, conflicting classifications (1 of 4 stars). 6 submissions from 6 submitters: Uncertain significance (2); Likely benign (4). Last evaluated 2026-03-24.

Conditions:
SACS-related disorder. Also called: SACS-related condition.
Spastic paraplegia. Identifiers: MedGen C0037772, HP:0001258.
Hereditary spastic paraplegia. Also called: Familial spastic paraparesis. Identifiers: Orphanet 685, MedGen C0037773, MONDO:0019064. Disease mechanism: loss of function.
Charlevoix-Saguenay spastic ataxia (SACS). Also called: AUTOSOMAL RECESSIVE SPASTIC ATAXIA OF CHARLEVOIX-SAGUENAY; SPASTIC ATAXIA 6, AUTOSOMAL RECESSIVE; Spastic ataxia of Charlevoix-Saguenay. Identifiers: Orphanet 98, MedGen C1849140, MONDO:0010041, OMIM 270550.

Allele frequency attached by ClinVar (database versions not stated): ExAC 0.00011; gnomAD exomes 0.00013 and 0.00016; ESP Exome Variant Server 0.00015; TOPMed 0.00015; gnomAD 0.00016 and 0.00017.

Submissions (6):

PreventionGenetics, part of Exact Sciences
Classification: Likely benign for SACS-related condition. Last evaluated: 2026-03-24. Review status: criteria provided, single submitter. Criteria: ACMG Guidelines, 2015. Collection method: clinical testing. Allele origin: germline.
Comment: This variant is classified as likely benign based on ACMG/AMP sequence variant interpretation guidelines (Richards et al. 2015 PMID: 25741868, with internal and published modifications).

Labcorp Genetics (formerly Invitae), Labcorp
Classification: Likely benign for Spastic paraplegia. Last evaluated: 2026-01-14. Review status: criteria provided, single submitter. Criteria: Invitae Variant Classification Sherloc (09022015). Collection method: clinical testing. Allele origin: germline.

Blueprint Genetics
Classification: Likely benign. Last evaluated: 2024-09-06. Review status: criteria provided, single submitter. Criteria: ACMG Guidelines, 2015. Collection method: clinical testing. Allele origin: germline.

Genome-Nilou Lab
Classification: Likely benign for Charlevoix-Saguenay spastic ataxia. Last evaluated: 2021-09-05. Review status: criteria provided, single submitter. Criteria: ACMG Guidelines, 2015. Collection method: clinical testing. Allele origin: germline. Affected: no.

Genome Diagnostics Laboratory, The Hospital for Sick Children
Classification: Uncertain significance for Hereditary spastic paraplegia. Last evaluated: 2018-03-01. Review status: criteria provided, single submitter. Criteria: ACMG Guidelines, 2015. Collection method: clinical testing. Allele origin: germline. Affected: yes.

Illumina Laboratory Services, Illumina
Classification: Uncertain significance for Charlevoix-Saguenay spastic ataxia. Last evaluated: 2018-01-13. Review status: criteria provided, single submitter. Criteria: ICSL Variant Classification Criteria 13 December 2019. Collection method: clinical testing. Allele origin: germline.

NM_014363.6(SACS):c.3282C>T (p.Asn1094=)

Gene: SACS (sacsin molecular chaperone; minus strand). Cytogenetic location: 13q12.12.
Variant type: single nucleotide variant.
Coding change: c.3282C>T on transcript NM_014363.6 (MANE Select); coding-DNA position 3282, C replaced by T.
Protein change: p.Asn1094=; no amino-acid change (asparagine 1094 retained).
Molecular consequence: synonymous variant.
Genome position (GRCh38, 1-based): chr13:23,340,594, G>A on the plus strand (C>T on the coding strand, the complement: SACS is on the minus strand). VCF-style: chr13-23340594-G-A. GRCh37 (hg19) VCF-style: chr13-23914733-G-A.
Other names: c.2841C>T, p.Asn947= (NM_001278055.2).
Identifiers: ClinVar variation 458263 (VCV000458263.22), dbSNP rs145499245, ClinGen allele CA6911545.
Genomic context (GRCh38, chr13:23,340,594, plus strand): 5'-CTGTAAGGCTTCAATTTTTTTTGCCACTTGCACAACATCCTTTTCTTTGAGACTGGCTTC[G>A]TTTTTTAAACCAATCTGTCTTAAGGAGTGAAGAATATCTGGTGAGGTAAAAACTGAGGGT-3'
Protein context (NP_055178.3, residues 1084-1104): LHSLRQIGLK[Asn1094=]EASLKEKDVV